The following is an entry in ClinVar:

ClinVar aggregate classification (germline): Conflicting classifications of pathogenicity. Review status: criteria provided, conflicting classifications (1 of 4 stars). 4 submissions from 4 submitters: Pathogenic (1); Uncertain significance (3). Last evaluated 2026-02-03.

Conditions:
Colorectal cancer. Also called: Colorectal cancer, somatic; Malignant Colorectal Neoplasm. Identifiers: MedGen C0346629, MONDO:0005575, OMIM 114500.
Endometrial carcinoma. Also called: Endometrial carcinoma, somatic. Identifiers: MedGen C0476089, MONDO:0002447, OMIM 608089, HP:0012114.
Colorectal cancer, hereditary nonpolyposis, type 7. Identifiers: Orphanet 144, MedGen C1858380, MONDO:0013725, OMIM 614385.
MLH3-related disorder. Also called: MLH3-related condition.

Allele frequency attached by ClinVar (database versions not stated): gnomAD exomes 0.00001 and below 0.00001; TOPMed below 0.00001; ExAC 0.00001.
gnomAD v4.1: 11 of 1,610,106 alleles (0.00068%); highest among the groups gnomAD compares: Non-Finnish European, 0.00093%; no homozygotes.

Submissions (4):

Myriad Genetics, Inc.
Classification: Pathogenic for Colorectal cancer, hereditary nonpolyposis, type 7. Last evaluated: 2026-02-03. Review status: criteria provided, single submitter. Criteria: Myriad Autosomal Dominant, Autosomal Recessive and X-Linked Classification Criteria (2023). Collection method: clinical testing. Allele origin: unknown.
Comment: This variant is considered pathogenic. This variant creates a termination codon and is predicted to result in premature protein truncation.

PreventionGenetics, part of Exact Sciences
Classification: Uncertain significance for MLH3-related condition. Last evaluated: 2023-09-27. Review status: criteria provided, single submitter. Criteria: ACMG Guidelines, 2015. Collection method: clinical testing. Allele origin: germline.
Comment: The MLH3 c.1223C>A variant is predicted to result in premature protein termination (p.Ser408*). To our knowledge, this variant has not been reported in the literature. This variant is reported in 0.00089% of alleles in individuals of European (Non-Finnish) descent in gnomAD. Loss of function is not an established mechanism of MLH3-related disease. At this time, the clinical significance of this variant is uncertain due to the absence of conclusive functional and genetic evidence.

Department of Pathology and Laboratory Medicine, Sinai Health System
Classification: Uncertain significance for Colorectal cancer; Endometrial carcinoma; Colorectal cancer, hereditary nonpolyposis, type 7. Last evaluated: 2021-09-29. Review status: criteria provided, single submitter. Criteria: ACMG Guidelines, 2015. Collection method: clinical testing. Allele origin: germline. Affected: yes.

Labcorp Genetics (formerly Invitae), Labcorp
Classification: Uncertain significance for Colorectal cancer, hereditary nonpolyposis, type 7. Last evaluated: 2021-04-13. Review status: criteria provided, single submitter. Criteria: Invitae Variant Classification Sherloc (09022015). Collection method: clinical testing. Allele origin: germline.
Comment: In summary, the available evidence is currently insufficient to determine the role of this variant in disease. Therefore, it has been classified as a Variant of Uncertain Significance. This variant has not been reported in the literature in individuals with MLH3-related conditions. This variant is present in population databases (rs745988563, ExAC 0.002%). This sequence change creates a premature translational stop signal (p.Ser408*) in the MLH3 gene. It is expected to result in an absent or disrupted protein product. However, the current clinical and genetic evidence is not sufficient to establish whether loss-of-function variants in MLH3 cause disease.

NM_001040108.2(MLH3):c.1223C>A (p.Ser408Ter)

Gene: MLH3 (mutL homolog 3; minus strand). Cytogenetic location: 14q24.3.
Variant type: single nucleotide variant.
Coding change: c.1223C>A on transcript NM_001040108.2 (MANE Select); coding-DNA position 1223, C replaced by A.
Protein change: p.Ser408Ter; replaces serine 408 with a stop codon.
Molecular consequence: nonsense.
Genome position (GRCh38, 1-based): chr14:75,048,433, G>T on the plus strand (C>A on the coding strand, the complement: MLH3 is on the minus strand). VCF-style: chr14-75048433-G-T. GRCh37 (hg19) VCF-style: chr14-75515136-G-T.
Other names: c.1223C>A (NM_001040108.1); c.1223C>A, p.Ser408Ter (NM_014381.3); short protein forms S408*.
Identifiers: ClinVar variation 1398348 (VCV001398348.9), dbSNP rs745988563, ClinGen allele CA7275904.